The following is an entry in ClinVar:

NM_001048174.2(MUTYH):c.1192C>T (p.Arg398Cys)

Gene: MUTYH (mutY DNA glycosylase; minus strand). Cytogenetic location: 1p34.1.
Variant type: single nucleotide variant.
Coding change: c.1192C>T on transcript NM_001048174.2 (MANE Select); coding-DNA position 1192, C replaced by T.
Protein change: p.Arg398Cys; replaces arginine 398 with cysteine.
Molecular consequence: missense variant. On other transcripts: non-coding transcript variant (2).
Genome position (GRCh38, 1-based): chr1:45,331,467, G>A on the plus strand (C>T on the coding strand, the complement: MUTYH is on the minus strand). VCF-style: chr1-45331467-G-A. GRCh37 (hg19) VCF-style: chr1-45797139-G-A.
Other names: p.R426C:CGT>TGT; c.1192C>T, p.Arg398Cys (NM_001048171.2, NM_001048173.2, NM_001293195.2); c.1195C>T, p.Arg399Cys (NM_001048172.2); c.1276C>T, p.Arg426Cys (NM_001128425.2); c.1237C>T, p.Arg413Cys (NM_001293190.2); c.1225C>T, p.Arg409Cys (NM_001293191.2); c.916C>T, p.Arg306Cys (NM_001293192.2, NM_001293196.2); c.847C>T, p.Arg283Cys (NM_001350650.2, NM_001350651.2); and 2 more; short protein forms R426C, R412C, R423C, R306C, R398C, R409C, R283C, R399C.
Identifiers: ClinVar variation 41753 (VCV000041753.92), dbSNP rs150792276, ClinGen allele CA011618.
Genomic context (GRCh38, chr1:45,331,467, plus strand): 5'-GCTGCTCACTTACCTCCCCAAGGTGCCGGAGGTGCGTGGCTGGGAGGGGCCCAGCCCAAC[G>A]CTGTAGTTCCTGCAGCAGGGCCTTGCGCTGAAGCTGCTCTGAGGGCTCCCAGGTCACGGA-3'
Protein context (NP_001041639.1, residues 388-408): QRKALLQELQ[Arg398Cys]WAGPLPATHL

ClinVar aggregate classification (germline): Conflicting classifications of pathogenicity. Review status: criteria provided, conflicting classifications (1 of 4 stars). 27 submissions from 26 submitters: Uncertain significance (12); Likely benign (11). 4 of the submissions do not count toward it. Last evaluated 2026-10-01.

Conditions:
Hereditary cancer. Identifiers: MedGen C1333600.
MUTYH-related disorder. Also called: MUTYH-related disorders; MUTYH-related condition.
Hereditary cancer-predisposing syndrome. Also called: Tumor predisposition; Neoplastic Syndromes, Hereditary; Hereditary Cancer Syndrome; Hereditary neoplastic syndrome. Identifiers: Orphanet 140162, MedGen C0027672, MeSH D009386, MONDO:0015356.
Carcinoma of colon (CRC). Also called: Colon carcinoma; Colonic carcinoma. Identifiers: MedGen C0699790, MONDO:0002032.
Familial adenomatous polyposis 2. Also called: MUTYH-related attenuated familial adenomatous polyposis; ADENOMAS, MULTIPLE COLORECTAL, AUTOSOMAL RECESSIVE; MUTYH-associated polyposis; MUTYH Polyposis; Adenomas, multiple colorectal; COLORECTAL ADENOMATOUS POLYPOSIS, AUTOSOMAL RECESSIVE. Identifiers: Orphanet 220460, Orphanet 247798, MedGen C3272841, MONDO:0012041, OMIM 608456.

Allele frequency attached by ClinVar (database versions not stated): ESP Exome Variant Server 0.00069; ExAC 0.00077; gnomAD exomes 0.00082 and 0.00137; gnomAD 0.00081 and 0.00080; TOPMed 0.00086.
gnomAD v4.1: 2,112 of 1,614,058 alleles (0.13%); highest among the groups gnomAD compares: Non-Finnish European, 0.17%; 1 homozygote.

Submissions 1 to 9 of 27:

St. Jude Molecular Pathology, St. Jude Children's Research Hospital
Classification: Uncertain significance for Familial adenomatous polyposis 2. Last evaluated: 2026-10-01. Review status: criteria provided, single submitter. Criteria: St. Jude Assertion Criteria 2020. Collection method: clinical testing. Allele origin: germline.
Comment: The MUTYH c.1276C>T p.(Arg426Cys) missense change has a maximum subpopulation frequency of 0.15% in gnomAD v2.1.1. The in silico tool REVEL is inconclusive about a pathogenic or benign effect of this variant on protein function, however a functional assay in E.coli showed that glycosylase repair activity was comparable to the wildtype (PMID: 25820570). This variant has been reported as homozygous in individuals with adenomatous polyposis that reportedly did not harbor pathogenic variants in APC (PMID: 16134147, 16557584, 19531215, 20687945). It has also been reported to co-occur with a pathogenic MUYTH pathogenic variant in two individuals with ≥10 adenomas, where one of these individuals also had a personal and family history of colorectal cancer (PMID: 20687945). In addition, this variant has been reported as heterozygous in individuals with polyposis (PMID: 17524638, 20687945, 22976915, 24470512), colorectal cancer (PMID: 28135145, 28944238, 30256826, 30850667), breast cancer (PMID: 26976419, 30564557), pancreatic cancer (PMID: 30151275), and endometrial cancer (PMID: 27443514). This variant is also known as p.Arg412Cys in the literature. In summary, the evidence currently available is insufficient to determine the clinical significance of this variant. It has therefore been classified as of uncertain significance (VUS-Low).

CeGaT Center for Human Genetics Tuebingen
Classification: Likely benign. Last evaluated: 2026-09-01. Review status: criteria provided, single submitter. Criteria: CeGaT Center For Human Genetics Tuebingen Variant Classification Criteria Version 2. Collection method: clinical testing. Allele origin: germline. Affected: yes. Observed: 2 variant alleles.
Comment: MUTYH: BS3:Supporting

PreventionGenetics, part of Exact Sciences
Classification: Likely benign for MUTYH-related condition. Last evaluated: 2026-04-06. Review status: criteria provided, single submitter. Criteria: ACMG Guidelines, 2015. Collection method: clinical testing. Allele origin: germline.
Comment: This variant is classified as likely benign based on ACMG/AMP sequence variant interpretation guidelines (Richards et al. 2015 PMID: 25741868, with internal and published modifications).

Labcorp Genetics (formerly Invitae), Labcorp
Classification: Likely benign for Familial adenomatous polyposis 2. Last evaluated: 2026-02-04. Review status: criteria provided, single submitter. Criteria: Invitae Variant Classification Sherloc (09022015). Collection method: clinical testing. Allele origin: germline.

Center for Genomic Medicine, Rigshospitalet, Copenhagen University Hospital
Classification: Uncertain significance. Last evaluated: 2025-12-29. Review status: criteria provided, single submitter. Criteria: ACMG Guidelines, 2015. Collection method: clinical testing. Allele origin: germline.

Quest Diagnostics Nichols Institute San Juan Capistrano
Classification: Uncertain significance. Last evaluated: 2025-08-21. Review status: criteria provided, single submitter. Criteria: Quest Diagnostics criteria. Collection method: clinical testing. Allele origin: unknown.
Comment: The MUTYH c.1276C>T (p.Arg426Cys) variant has been reported in the published literature in multiple individuals and families affected with various cancers, including colorectal cancer (PMIDs: 28944238 (2017), 30256826 (2018), 30850667 (2019), 35628513 (2022)), colorectal polyposis (PMIDs: 24470512 (2014), 25980754 (2015), 27829682 (2016), 38254803 (2024)), breast and/or ovarian cancer (PMIDs: 30564557 (2018), 31159747 (2019), 31921681 (2019)), endometrial cancer (PMID: 27443514 (2016)), pancreatic cancer (PMID: 30151275 (2018)), and lung cancer (PMID: 14991577 (2004)). Additionally, the variant has been identified in reportedly healthy individuals (PMID: 16616356 (2006)). Functional studies demonstrated that this variant has an inconclusive effect on protein function (PMID: 25820570 (2015)). The frequency of this variant in the general population (Genome Aggregation Database) is uninformative in the assessment of its pathogenicity. Analysis of this variant using bioinformatics tools for the prediction of the effect of amino acid changes on protein structure and function yielded predictions that this variant is benign. Based on the available information, we are unable to determine the clinical significance of this variant.

Women's Health and Genetics/Laboratory Corporation of America, LabCorp
Classification: Likely benign. Last evaluated: 2025-07-11. Review status: criteria provided, single submitter. Criteria: LabCorp Variant Classification Summary - May 2015. Collection method: clinical testing. Allele origin: germline.
Comment: Variant summary: MUTYH c.1276C>T (p.Arg426Cys) results in a non-conservative amino acid change located in the NUDIX hydrolase domain (IPR000086) of the encoded protein sequence. Algorithms developed to predict the effect of missense changes on protein structure and function are either unavailable or do not agree on the potential impact of this missense change. The variant allele was found at a frequency of 0.00081 in 252980 control chromosomes, predominantly at a frequency of 0.0014 within the Non-Finnish European subpopulation in the gnomAD database, including 1 homozygotes. c.1276C>T has been reported in multiple FAP or attenuated FAP patients in monoallelic state (e.g. Aceto_2005, Aretz_2006, de Lyon_2013, Ricci_2017, Sulova_2009). Furthermore, it has been reported with other pathogenic MUTYH variants in biallelic patients affected with synchronous/metachronous polyps (Lopez-Villar_2010) and colorectal cancer (e.g. De Rycke 2017, Yurgelun 2017). In some of these reports, it was classified as a VUS in settings of multigene cancer panel testing. Additional reports of the variant in individuals with a personal and/or family history of colorectal cancer, HBOC, lung and endometrial cancer have also been published (e.g. Fleischmann_2004, Ricci_2016, Ring_2016, Tung_2016, Martin-Morales_2018, Rizzolo_2018, Oliver_2019, Lin_2019, Tsaousis_2019, Grasel_2020, Pope_2021, Sahin_2022). These data do not allow any conclusion about variant significance. Multiple co-occurrences with other pathogenic variant(s) have been observed at our laboratory (BRCA2 c.4647_4650delAGAG , p.Lys1549fsX18 ; APC c.2161_2170delGGAAGTGCTG, p.Gly721fsX3; MSH6 c.3013C>T, p.Arg1005X; PALB2 c.2386G>T, p.Gly796X) At least one publication reports experimental evidence evaluating an impact on protein function. These results showed no damaging effect of this variant as evidenced by comparable function to wild-type in terms of suppression of spontaneous mutations (Komine_2015). The following publications have been ascertained in the context of this evaluation (PMID: 22703879, 25820570, 16134147, 16557584, 19531215, 24470512, 20687945, 17524638, 14991577, 26976419, 22976915, 27443514, 28135145, 28944238, 30256826, 30151275, 27829682, 30564557, 30850667, 31159747, 31921681, 31422818, 33383211, 33134171, 35089076, 35430768, 35628513). ClinVar contains an entry for this variant (Variation ID: 41753). Based on the evidence outlined above, the variant was classified as likely benign.

Mayo Clinic Laboratories, Mayo Clinic
Classification: Uncertain significance. Last evaluated: 2025-02-17. Review status: criteria provided, single submitter. Criteria: ACMG Guidelines, 2015. Collection method: clinical testing. Allele origin: germline. Observed: 2 variant alleles.

Institute for Biomarker Research, Medical Diagnostic Laboratories, L.L.C.
Classification: Uncertain significance for Hereditary cancer-predisposing syndrome. Last evaluated: 2025-01-15. Review status: criteria provided, single submitter. Criteria: ACMG Guidelines, 2015. Collection method: clinical testing. Allele origin: germline.
Comment: The missense variant NM_001128425.2(MUTYH):c.1276C>T (p.Arg426Cys) has not been reported previously as a pathogenic variant, to our knowledge. There is a large physicochemical difference between arginine and cysteine, which is likely to impact secondary protein structure as these residues differ in polarity, charge, size and/or other properties. There are no benign variants within 3 amino acid positions of the variant p.Arg426Cys. For these reasons, this variant has been classified as Uncertain Significance.